The following is an entry in ClinVar:

ClinVar aggregate classification (germline): Uncertain significance (1 of 4 stars; one submission).

Allele frequency attached by ClinVar (database versions not stated): gnomAD exomes below 0.00001 and 0.00001; ExAC 0.00001; gnomAD 0.00001 and 0.00002; TOPMed 0.00001.
gnomAD v4.1: 12 of 1,613,926 alleles (0.00074%); highest among the groups gnomAD compares: African/African-American, 0.004%; no homozygotes.

Submission:

Labcorp Genetics (formerly Invitae), Labcorp
Classification: Uncertain significance. Last evaluated: 2025-07-07. Review status: criteria provided, single submitter. Criteria: Invitae Variant Classification Sherloc (09022015). Collection method: clinical testing. Allele origin: germline.
Comment: This sequence change replaces arginine, which is basic and polar, with tryptophan, which is neutral and slightly polar, at codon 423 of the NEK2 protein (p.Arg423Trp). This variant is present in population databases (rs756236866, gnomAD 0.007%). This variant has not been reported in the literature in individuals affected with NEK2-related conditions. ClinVar contains an entry for this variant (Variation ID: 1470979). An algorithm developed to predict the effect of missense changes on protein structure and function (PolyPhen-2) suggests that this variant is likely to be disruptive. In summary, the available evidence is currently insufficient to determine the role of this variant in disease. Therefore, it has been classified as a Variant of Uncertain Significance.

NM_002497.4(NEK2):c.1267C>T (p.Arg423Trp)

Gene: NEK2 (NIMA related kinase 2; minus strand). Cytogenetic location: 1q32.3.
Variant type: single nucleotide variant.
Coding change: c.1267C>T on transcript NM_002497.4 (MANE Select); coding-DNA position 1267, C replaced by T.
Protein change: p.Arg423Trp; replaces arginine 423 with tryptophan.
Molecular consequence: missense variant. On other transcripts: intron variant (1).
Genome position (GRCh38, 1-based): chr1:211,663,497, G>A on the plus strand (C>T on the coding strand, the complement: NEK2 is on the minus strand). VCF-style: chr1-211663497-G-A. GRCh37 (hg19) VCF-style: chr1-211836839-G-A.
Other names: c.1111+3609C>T (NM_001204182.2); short protein forms R423W.
Identifiers: ClinVar variation 1470979 (VCV001470979.8), dbSNP rs756236866, ClinGen allele CA1381468.